The following is an entry in ClinVar:

ClinVar aggregate classification (germline): Uncertain significance (1 of 4 stars; one submission).

Submission:

Labcorp Genetics (formerly Invitae), Labcorp
Classification: Uncertain significance. Last evaluated: 2022-04-18. Review status: criteria provided, single submitter. Criteria: Invitae Variant Classification Sherloc (09022015). Collection method: clinical testing. Allele origin: germline.
Comment: In summary, the available evidence is currently insufficient to determine the role of this variant in disease. Therefore, it has been classified as a Variant of Uncertain Significance. Experimental studies and prediction algorithms are not available or were not evaluated, and the functional significance of this variant is currently unknown. This variant has not been reported in the literature in individuals affected with BPTF-related conditions. This variant is present in population databases (rs774221704, gnomAD 0.002%). This variant, c.1461_1466del, results in the deletion of 2 amino acid(s) of the BPTF protein (p.Asn487_Glu488del), but otherwise preserves the integrity of the reading frame.

NM_182641.4(BPTF):c.1455TGAAAA[1] (p.485NE[1])

Gene: BPTF (bromodomain PHD finger transcription factor; plus strand). Cytogenetic location: 17q24.2.
Variant type: Microsatellite.
Coding change: c.1455TGAAAA[1] on transcript NM_182641.4 (MANE Select); one copy of the 6-base unit TGAAAA starting at c.1455; the reference has two copies in a row; one copy, 6 bases deleted.
Protein change: p.485NE[1].
Molecular consequence: inframe deletion.
Genome position (GRCh38, 1-based): chr17:67,866,488-67,866,493, TGAAAA deleted; deleting any 6 consecutive bases within chr17:67,866,477-67,866,493 gives the same sequence; the position shown is the placement nearest the transcript's 3' end. VCF-style (leftmost placement, unchanged base first): chr17-67866476-AGAAAAT-A. GRCh37 (hg19) VCF-style: chr17-65862592-AGAAAAT-A.
Other names: c.1455TGAAAA[1], p.485NE[1] (NM_004459.7).
Identifiers: ClinVar variation 2123428 (VCV002123428.4), dbSNP rs774221704, ClinGen allele CA8725145.
Genomic context (GRCh38, chr17:67,866,476, plus strand): 5'-GTGGCATTATGTCTAACATATAAAGTATTTCCCCCCATTTTTAAACAGAGAAGAAGATAC[AGAAAAT>A]GAAAATGAAAAGAAAATTTGGTATTACAGCACAAAGGTCCAACTTGCAGAATTAATTGAC-3'